The following is an entry in ClinVar:

NM_001367823.1(ARHGEF18):c.2209C>A (p.Gln737Lys)

Gene: ARHGEF18 (Rho/Rac guanine nucleotide exchange factor 18; plus strand). Cytogenetic location: 19p13.2.
Variant type: single nucleotide variant.
Coding change: c.2209C>A on transcript NM_001367823.1 (MANE Select); coding-DNA position 2209, C replaced by A.
Protein change: p.Gln737Lys; replaces glutamine 737 with lysine.
Molecular consequence: missense variant.
Genome position (GRCh38, 1-based): chr19:7,458,539, C>A. VCF-style: chr19-7458539-C-A. GRCh37 (hg19) VCF-style: chr19-7523425-C-A.
Other names: c.1483C>A, p.Gln495Lys (NM_001130955.2); c.1171C>A, p.Gln391Lys (NM_001367824.1, NM_015318.4); short protein forms Q495K, Q391K, Q737K.
Identifiers: ClinVar variation 2130646 (VCV002130646.4), dbSNP rs2512295791, ClinGen allele CA403117412.

ClinVar aggregate classification (germline): Uncertain significance (1 of 4 stars; one submission).

Submission:

Labcorp Genetics (formerly Invitae), Labcorp
Classification: Uncertain significance. Last evaluated: 2022-04-25. Review status: criteria provided, single submitter. Criteria: Invitae Variant Classification Sherloc (09022015). Collection method: clinical testing. Allele origin: germline.
Comment: In summary, the available evidence is currently insufficient to determine the role of this variant in disease. Therefore, it has been classified as a Variant of Uncertain Significance. Algorithms developed to predict the effect of missense changes on protein structure and function (SIFT, PolyPhen-2, Align-GVGD) all suggest that this variant is likely to be disruptive. This variant has not been reported in the literature in individuals affected with ARHGEF18-related conditions. This variant is not present in population databases (gnomAD no frequency). This sequence change replaces glutamine, which is neutral and polar, with lysine, which is basic and polar, at codon 549 of the ARHGEF18 protein (p.Gln549Lys).